The following is an entry in ClinVar:

ClinVar aggregate classification (germline): Uncertain significance. Review status: criteria provided, multiple submitters, no conflicts (2 of 4 stars). 2 submissions from 2 submitters: Uncertain significance (2). Last evaluated 2024-03-24.

Conditions:
Orofaciodigital syndrome I (OFD1). Also called: OFDS I; Oral-Facial-Digital Syndrome Type I; Papillon-Leage and Psaume Syndrome. Identifiers: Orphanet 2750, MedGen C1510460, MONDO:0010702, OMIM 311200.
Joubert syndrome. Also called: CEREBELLOPARENCHYMAL DISORDER IV; JOUBERT-BOLTSHAUSER SYNDROME; Familial aplasia of the vermis. Identifiers: Orphanet 475, MedGen C5979921, MONDO:0018772.
Retinitis pigmentosa 23 (RP23). Identifiers: Orphanet 791, MedGen C1419610, MONDO:0010320, OMIM 300424.
Simpson-Golabi-Behmel syndrome type 2. Identifiers: Orphanet 79022, MedGen C1846175, MONDO:0010265, OMIM 300209.
Joubert syndrome 10 (JBTS10). Identifiers: Orphanet 2754, MedGen C2749019, MONDO:0010431, OMIM 300804.

Allele frequency attached by ClinVar (database versions not stated): TOPMed below 0.00001; gnomAD exomes 0.00001.

Submissions (2):

Fulgent Genetics
Classification: Uncertain significance for Simpson-Golabi-Behmel syndrome type 2; Retinitis pigmentosa 23; Joubert syndrome 10; Orofaciodigital syndrome I. Last evaluated: 2024-03-24. Review status: criteria provided, single submitter. Criteria: ACMG Guidelines, 2015. Collection method: clinical testing. Allele origin: germline.

Labcorp Genetics (formerly Invitae), Labcorp
Classification: Uncertain significance for Orofaciodigital syndrome I; Joubert syndrome. Last evaluated: 2022-08-09. Review status: criteria provided, single submitter. Criteria: Invitae Variant Classification Sherloc (09022015). Collection method: clinical testing. Allele origin: germline.
Comment: ClinVar contains an entry for this variant (Variation ID: 848181). Algorithms developed to predict the effect of missense changes on protein structure and function output the following: SIFT: "Tolerated"; PolyPhen-2: "Benign"; Align-GVGD: "Class C0". The threonine amino acid residue is found in multiple mammalian species, which suggests that this missense change does not adversely affect protein function. This variant has not been reported in the literature in individuals affected with OFD1-related conditions. In summary, the available evidence is currently insufficient to determine the role of this variant in disease. Therefore, it has been classified as a Variant of Uncertain Significance. This sequence change replaces serine, which is neutral and polar, with threonine, which is neutral and polar, at codon 266 of the OFD1 protein (p.Ser266Thr). This variant is present in population databases (no rsID available, gnomAD 0.004%).

NM_003611.3(OFD1):c.797G>C (p.Ser266Thr)

Gene: OFD1 (OFD1 centriole and centriolar satellite protein; plus strand). Cytogenetic location: Xp22.2.
Variant type: single nucleotide variant.
Coding change: c.797G>C on transcript NM_003611.3 (MANE Select); coding-DNA position 797, G replaced by C.
Protein change: p.Ser266Thr; replaces serine 266 with threonine.
Molecular consequence: missense variant.
Genome position (GRCh38, 1-based): chrX:13,746,922, G>C. VCF-style: chrX-13746922-G-C. GRCh37 (hg19) VCF-style: chrX-13765041-G-C.
Other names: c.797G>C, p.Ser266Thr (NM_001330209.2); c.377G>C, p.Ser126Thr (NM_001330210.2); short protein forms S266T, S126T.
Identifiers: ClinVar variation 848181 (VCV000848181.9), dbSNP rs1354561362, ClinGen allele CA412338136.